The following is an entry in ClinVar:

NM_000135.4(FANCA):c.1097T>C (p.Leu366Pro)

Gene: FANCA (FA complementation group A; minus strand). Cytogenetic location: 16q24.3.
Variant type: single nucleotide variant.
Coding change: c.1097T>C on transcript NM_000135.4 (MANE Select); coding-DNA position 1097, T replaced by C.
Protein change: p.Leu366Pro; replaces leucine 366 with proline.
Molecular consequence: missense variant.
Genome position (GRCh38, 1-based): chr16:89,792,055, A>G on the plus strand (T>C on the coding strand, the complement: FANCA is on the minus strand). VCF-style: chr16-89792055-A-G. GRCh37 (hg19) VCF-style: chr16-89858463-A-G.
Other names: c.1097T>C, p.Leu366Pro (NM_001286167.3); short protein forms L366P.
Identifiers: ClinVar variation 1405212 (VCV001405212.5), dbSNP rs2143530711, ClinGen allele CA397466355.

ClinVar aggregate classification (germline): Uncertain significance (1 of 4 stars; one submission).

Conditions:
Fanconi anemia (FA). Also called: Fanconi's anemia. Identifiers: Orphanet 84, MedGen C0015625, MeSH D005199, MONDO:0019391.

Allele frequency attached by ClinVar (database versions not stated): gnomAD exomes 0.00001.
gnomAD v4.1: 6 of 1,614,214 alleles (0.00037%); highest among the groups gnomAD compares: Non-Finnish European, 0.00051%; no homozygotes.

Submission:

Labcorp Genetics (formerly Invitae), Labcorp
Classification: Uncertain significance for Fanconi anemia. Last evaluated: 2021-08-24. Review status: criteria provided, single submitter. Criteria: Invitae Variant Classification Sherloc (09022015). Collection method: clinical testing. Allele origin: germline.
Comment: This sequence change replaces leucine with proline at codon 366 of the FANCA protein (p.Leu366Pro). The leucine residue is moderately conserved and there is a moderate physicochemical difference between leucine and proline. This variant is not present in population databases (ExAC no frequency). This variant has not been reported in the literature in individuals affected with FANCA-related conditions. Advanced modeling of protein sequence and biophysical properties (such as structural, functional, and spatial information, amino acid conservation, physicochemical variation, residue mobility, and thermodynamic stability) performed at Invitae indicates that this missense variant is expected to disrupt FANCA protein function. In summary, the available evidence is currently insufficient to determine the role of this variant in disease. Therefore, it has been classified as a Variant of Uncertain Significance.